The following is an entry in ClinVar:

ClinVar aggregate classification (germline): Uncertain significance (0 of 4 stars; one submission).

Submission:

Department of Pathology and Laboratory Medicine, Sinai Health System
Classification: Uncertain significance. Review status: no assertion criteria provided. Collection method: clinical testing. Allele origin: unknown. Affected: yes. Study: The Canadian Open Genetics Repository (COGR).
Comment: The CDH23 p.His854Leu variant was not identified in the literature nor was it identified in dbSNP, ClinVar, Cosmic or LOVD 3.0. The variant was also not identified in the following control databases: the 1000 Genomes Project, the NHLBI GO Exome Sequencing Project, the Exome Aggregation Consortium (August 8th 2016), or the Genome Aggregation Database (Feb 27, 2017). The p.His854 residue is conserved across mammals and other organisms, and computational analyses (PolyPhen-2, SIFT, AlignGVGD, BLOSUM, MutationTaster) suggest that the variant may impact the protein; however, this information is not predictive enough to assume pathogenicity. The p.His854Leu variant occurs in the first three bases of the exon. This position has been shown to be part of the splicing consensus sequence and variants involving this position sometimes affect splicing. However, in silico or computational prediction software programs (SpliceSiteFinder, MaxEntScan, NNSPLICE, GeneSplicer) do not predict a difference in splicing. In summary, based on the above information the clinical significance of this variant cannot be determined with certainty at this time. This variant is classified as a variant of uncertain significance.

NM_022124.6(CDH23):c.9281A>T (p.His3094Leu)

Gene: CDH23 (cadherin related 23; plus strand). Cytogenetic location: 10q22.1.
Variant type: single nucleotide variant.
Coding change: c.9281A>T on transcript NM_022124.6 (MANE Select); coding-DNA position 9281, A replaced by T.
Protein change: p.His3094Leu; replaces histidine 3094 with leucine.
Molecular consequence: missense variant.
Genome position (GRCh38, 1-based): chr10:71,811,715, A>T. VCF-style: chr10-71811715-A-T. GRCh37 (hg19) VCF-style: chr10-73571472-A-T.
Other names: c.2561A>T, p.His854Leu (NM_001171933.1, NM_001171934.1); short protein forms H3094L, H854L.
Identifiers: ClinVar variation 1050068 (VCV001050068.1), dbSNP rs2133002941, ClinGen allele CA377135582.
Genomic context (GRCh38, chr10:71,811,715, plus strand): 5'-GCAGGGCCTGAGACGTCAGCTTGGCCCCCCTCACCAGCCCCTCTCTGCTTCTCTCCAGAC[A>T]CAAGAGGAAGCTCAAGGCCATTGTGGCTGGCTCAGCTGGTAAGTGAGGGCCATAGTGGGG-3'
Protein context (NP_071407.4, residues 3084-3104): VLMNWYYRTV[His3094Leu]KRKLKAIVAG